The following is an entry in ClinVar:

NM_001136191.3(KANK2):c.1177G>A (p.Ala393Thr)

Gene: KANK2 (KN motif and ankyrin repeat domains 2; minus strand). Cytogenetic location: 19p13.2.
Variant type: single nucleotide variant.
Coding change: c.1177G>A on transcript NM_001136191.3 (MANE Select); coding-DNA position 1177, G replaced by A.
Protein change: p.Ala393Thr; replaces alanine 393 with threonine.
Molecular consequence: missense variant.
Genome position (GRCh38, 1-based): chr19:11,192,903, C>T on the plus strand (G>A on the coding strand, the complement: KANK2 is on the minus strand). VCF-style: chr19-11192903-C-T. GRCh37 (hg19) VCF-style: chr19-11303579-C-T.
Other names: p.Ala393Thr; c.1177G>A, p.Ala393Thr (NM_001379562.1, NM_001379563.1, NM_015493.7 and 15 more transcripts); c.1177G>A (NM_015493.6); short protein forms A393T.
Identifiers: ClinVar variation 2715694 (VCV002715694.5), dbSNP rs755672192, ClinGen allele CA9205879.

ClinVar aggregate classification (germline): Conflicting classifications of pathogenicity. Review status: criteria provided, conflicting classifications (1 of 4 stars). 3 submissions from 3 submitters: Uncertain significance (2); Likely benign (1). Last evaluated 2026-01-18.

Allele frequency attached by ClinVar (database versions not stated): gnomAD 0.00005; gnomAD exomes 0.00007; TOPMed 0.00008; ExAC 0.00015.
gnomAD v4.1: 108 of 1,613,990 alleles (0.0067%); highest among the groups gnomAD compares: Admixed American, 0.092%; no homozygotes.

Submissions (3):

Labcorp Genetics (formerly Invitae), Labcorp
Classification: Uncertain significance. Last evaluated: 2026-01-18. Review status: criteria provided, single submitter. Criteria: Invitae Variant Classification Sherloc (09022015). Collection method: clinical testing. Allele origin: germline.
Comment: This sequence change replaces alanine, which is neutral and non-polar, with threonine, which is neutral and polar, at codon 393 of the KANK2 protein (p.Ala393Thr). This variant is present in population databases (rs755672192, gnomAD 0.1%), and has an allele count higher than expected for a pathogenic variant. This variant has not been reported in the literature in individuals affected with KANK2-related conditions. ClinVar contains an entry for this variant (Variation ID: 2715694). An algorithm developed to predict the effect of missense changes on protein structure and function outputs the following: PolyPhen-2: "Benign". The threonine amino acid residue is found in multiple mammalian species, which suggests that this missense change does not adversely affect protein function. In summary, the available evidence is currently insufficient to determine the role of this variant in disease. Therefore, it has been classified as a Variant of Uncertain Significance.

Mayo Clinic Laboratories, Mayo Clinic
Classification: Uncertain significance. Last evaluated: 2025-01-01. Review status: criteria provided, single submitter. Criteria: ACMG Guidelines, 2015. Collection method: clinical testing. Allele origin: germline. Observed: 1 variant allele.
Comment: BP4

Ambry Genetics
Classification: Likely benign. Last evaluated: 2024-12-15. Review status: criteria provided, single submitter. Criteria: Ambry Variant Classification Scheme 2023. Collection method: clinical testing. Allele origin: germline.